The following is an entry in ClinVar:

NM_021930.6(RINT1):c.1759A>G (p.Met587Val)

Gene: RINT1 (RAD50 interactor 1; plus strand). Cytogenetic location: 7q22.3.
Variant type: single nucleotide variant.
Coding change: c.1759A>G on transcript NM_021930.6 (MANE Select); coding-DNA position 1759, A replaced by G.
Protein change: p.Met587Val; replaces methionine 587 with valine.
Molecular consequence: missense variant. On other transcripts: non-coding transcript variant (1).
Genome position (GRCh38, 1-based): chr7:105,563,820, A>G. VCF-style: chr7-105563820-A-G. GRCh37 (hg19) VCF-style: chr7-105204267-A-G.
Other names: c.1525A>G, p.Met509Val (NM_001346599.2); c.736A>G, p.Met246Val (NM_001346600.2, NM_001346603.2); c.835A>G, p.Met279Val (NM_001346601.2); short protein forms M279V, M587V, M246V, M509V.
Identifiers: ClinVar variation 933659 (VCV000933659.13), dbSNP rs1791559796, ClinGen allele CA368813780.

ClinVar aggregate classification (germline): Uncertain significance. Review status: criteria provided, multiple submitters, no conflicts (2 of 4 stars). 2 submissions from 2 submitters: Uncertain significance (2). Last evaluated 2024-04-05.

Allele frequency attached by ClinVar (database versions not stated): gnomAD exomes below 0.00001; gnomAD 0.00001; TOPMed 0.00001.
gnomAD v4.1: 2 of 1,613,898 alleles (0.00012%); highest among the groups gnomAD compares: African/African-American, 0.0013%; no homozygotes.

Submissions (2):

Ambry Genetics
Classification: Uncertain significance. Last evaluated: 2024-04-05. Review status: criteria provided, single submitter. Criteria: Ambry Variant Classification Scheme 2023. Collection method: clinical testing. Allele origin: germline.
Comment: The p.M587V variant (also known as c.1759A>G), located in coding exon 12 of the RINT1 gene, results from an A to G substitution at nucleotide position 1759. The methionine at codon 587 is replaced by valine, an amino acid with highly similar properties. This amino acid position is conserved. In addition, this alteration is predicted to be tolerated by in silico analysis. Since supporting evidence is limited at this time, the clinical significance of this alteration remains unclear.

Labcorp Genetics (formerly Invitae), Labcorp
Classification: Uncertain significance. Last evaluated: 2019-10-07. Review status: criteria provided, single submitter. Criteria: Invitae Variant Classification Sherloc (09022015). Collection method: clinical testing. Allele origin: germline.
Comment: In summary, the available evidence is currently insufficient to determine the role of this variant in disease. Therefore, it has been classified as a Variant of Uncertain Significance. Algorithms developed to predict the effect of missense changes on protein structure and function (SIFT, PolyPhen-2, Align-GVGD) all suggest that this variant is likely to be tolerated, but these predictions have not been confirmed by published functional studies and their clinical significance is uncertain. This sequence change replaces methionine with valine at codon 587 of the RINT1 protein (p.Met587Val). The methionine residue is highly conserved and there is a small physicochemical difference between methionine and valine. This variant is not present in population databases (ExAC no frequency). This variant has not been reported in the literature in individuals with RINT1-related conditions.